The following is an entry in ClinVar:

NM_005751.5(AKAP9):c.5938A>C (p.Lys1980Gln)

Gene: AKAP9 (A-kinase anchoring protein 9; plus strand). Cytogenetic location: 7q21.2.
Variant type: single nucleotide variant.
Coding change: c.5938A>C on transcript NM_005751.5 (MANE Select); coding-DNA position 5938, A replaced by C.
Protein change: p.Lys1980Gln; replaces lysine 1980 with glutamine.
Molecular consequence: missense variant.
Genome position (GRCh38, 1-based): chr7:92,062,447, A>C. VCF-style: chr7-92062447-A-C. GRCh37 (hg19) VCF-style: chr7-91691761-A-C.
Other names: c.583A>C, p.Lys195Gln (NM_001379277.1); c.5938A>C, p.Lys1980Gln (NM_147185.3); short protein forms K195Q, K1980Q.
Identifiers: ClinVar variation 4264938 (VCV004264938.1).

ClinVar aggregate classification (germline): Uncertain significance (1 of 4 stars; one submission).

Conditions:
Cardiovascular phenotype. Identifiers: MedGen CN230736.

gnomAD v4.1: 1 of 1,613,744 alleles (0.000062%); highest among the groups gnomAD compares: East Asian, 0.0022%; no homozygotes.

Submission:

Ambry Genetics
Classification: Uncertain significance for Cardiovascular phenotype. Last evaluated: 2025-06-23. Review status: criteria provided, single submitter. Criteria: Ambry Variant Classification Scheme 2023. Collection method: clinical testing. Allele origin: germline.
Comment: The p.K1980Q variant (also known as c.5938A>C), located in coding exon 24 of the AKAP9 gene, results from an A to C substitution at nucleotide position 5938. The lysine at codon 1980 is replaced by glutamine, an amino acid with similar properties. This amino acid position is conserved. In addition, this alteration is predicted to be tolerated by in silico analysis. Based on the available evidence, the clinical significance of this variant remains unclear.